The following is an entry in ClinVar:

NM_000051.4(ATM):c.7036G>C (p.Ala2346Pro)

Genes: C11orf65 (chromosome 11 open reading frame 65; minus strand), ATM (ATM serine/threonine kinase; plus strand). Cytogenetic location: 11q22.3.
Variant type: single nucleotide variant.
Coding change: c.7036G>C on transcript NM_000051.4 (MANE Select); coding-DNA position 7036, G replaced by C.
Protein change: p.Ala2346Pro; replaces alanine 2346 with proline.
Molecular consequence: missense variant. On other transcripts: intron variant (2).
Genome position (GRCh38, 1-based): chr11:108,327,705, G>C. VCF-style: chr11-108327705-G-C. GRCh37 (hg19) VCF-style: chr11-108198432-G-C.
Other names: c.7036G>C, p.Ala2346Pro (NM_001351834.2); c.641-18634C>G (NM_001330368.2); c.*38+7515C>G (NM_001351110.2); short protein forms A2346P.
Identifiers: ClinVar variation 1469116 (VCV001469116.7), dbSNP rs144497088, ClinGen allele CA382558872.
Genomic context (GRCh38, chr11:108,327,705, plus strand): 5'-AACAATCCCAGCCTAAAACTTACATACACAGAATGTCTGAGGGTTTGTGGCAACTGGTTA[G>C]CAGAAACGTGCTTAGAAAATCCTGCGGTCATCATGCAGACCTATCTAGAAAAGGTAAGAT-3'
Protein context (NP_000042.3, residues 2336-2356): ECLRVCGNWL[Ala2346Pro]ETCLENPAVI

ClinVar aggregate classification (germline): Uncertain significance (1 of 4 stars; one submission).

Conditions:
Ataxia-telangiectasia syndrome (AT). Also called: LOUIS-BAR SYNDROME; Cerebello-oculocutaneous telangiectasia; Immunodeficiency with ataxia telangiectasia; Ataxia telangiectasia (A-T); Ataxia-telangiectasia, complementation group D; AT, COMPLEMENTATION GROUP C. Identifiers: Orphanet 100, MedGen C0004135, MONDO:0008840, OMIM 208900.

Submission:

Labcorp Genetics (formerly Invitae), Labcorp
Classification: Uncertain significance for Ataxia-telangiectasia syndrome. Last evaluated: 2023-08-30. Review status: criteria provided, single submitter. Criteria: Invitae Variant Classification Sherloc (09022015). Collection method: clinical testing. Allele origin: germline.
Comment: This sequence change replaces alanine, which is neutral and non-polar, with proline, which is neutral and non-polar, at codon 2346 of the ATM protein (p.Ala2346Pro). This variant is not present in population databases (gnomAD no frequency). This variant has not been reported in the literature in individuals affected with ATM-related conditions. ClinVar contains an entry for this variant (Variation ID: 1469116). An algorithm developed to predict the effect of missense changes on protein structure and function (PolyPhen-2) suggests that this variant is likely to be disruptive. In summary, the available evidence is currently insufficient to determine the role of this variant in disease. Therefore, it has been classified as a Variant of Uncertain Significance.